The following is an entry in ClinVar:

ClinVar aggregate classification (germline): Likely benign. Review status: criteria provided, multiple submitters, no conflicts (2 of 4 stars). 2 submissions from 2 submitters: Likely benign (2). Last evaluated 2026-02-04.

Conditions:
Parkinsonism-dystonia, infantile. Identifiers: Orphanet 238455, MedGen C2751067, MONDO:0013150.

Allele frequency attached by ClinVar (database versions not stated): gnomAD exomes below 0.00001 and 0.00004; gnomAD 0.00002; TOPMed 0.00003.
gnomAD v4.1: 63 of 1,614,096 alleles (0.0039%); highest among the groups gnomAD compares: Middle Eastern, 0.016%; no homozygotes.

Submissions (2):

Labcorp Genetics (formerly Invitae), Labcorp
Classification: Likely benign for Parkinsonism-dystonia, infantile. Last evaluated: 2026-02-04. Review status: criteria provided, single submitter. Criteria: Invitae Variant Classification Sherloc (09022015). Collection method: clinical testing. Allele origin: germline.

CeGaT Center for Human Genetics Tuebingen
Classification: Likely benign. Last evaluated: 2024-07-01. Review status: criteria provided, single submitter. Criteria: CeGaT Center For Human Genetics Tuebingen Variant Classification Criteria Version 2. Collection method: clinical testing. Allele origin: germline. Affected: yes. Observed: 1 variant allele.
Comment: SLC6A3: BP4, BP7

NM_001044.5(SLC6A3):c.615C>T (p.Asn205=)

Gene: SLC6A3 (solute carrier family 6 member 3). Cytogenetic location: 5p15.33.
Variant type: single nucleotide variant.
Coding change: c.615C>T on transcript NM_001044.5 (MANE Select); coding-DNA position 615, C replaced by T.
Protein change: p.Asn205=; no amino-acid change (asparagine 205 retained).
Molecular consequence: synonymous variant.
Genome position (GRCh38, 1-based): chr5:1,432,502, G>A on the plus strand (C>T on the coding strand, the complement: SLC6A3 is on the minus strand). VCF-style: chr5-1432502-G-A. GRCh37 (hg19) VCF-style: chr5-1432617-G-A.
Identifiers: ClinVar variation 696963 (VCV000696963.26), dbSNP rs764540812, ClinGen allele CA112963061.